The following is an entry in ClinVar:

ClinVar aggregate classification (germline): Uncertain significance (1 of 4 stars; one submission).

Conditions:
Catecholaminergic polymorphic ventricular tachycardia (CVPT). Also called: Catecholamine-induced polymorphic ventricular tachycardia. Identifiers: Orphanet 3286, MedGen C5574922, MONDO:0017990.

Allele frequency attached by ClinVar (database versions not stated): gnomAD exomes below 0.00001.
gnomAD v4.1: 2 of 1,613,894 alleles (0.00012%); highest among the groups gnomAD compares: South Asian, 0.0022%; no homozygotes.

Submission:

All of Us Research Program, National Institutes of Health
Classification: Uncertain significance for Catecholaminergic polymorphic ventricular tachycardia. Last evaluated: 2024-01-11. Review status: criteria provided, single submitter. Criteria: ACMG Guidelines, 2015. Collection method: clinical testing. Allele origin: germline. Inheritance: Autosomal dominant inheritance. Observed: 1 variant allele, 1 heterozygote.
Comment: This study involves interpretation of variants in research participants for the purpose of population health screening. Participant phenotype was not available at the time of variant classification. Additional details can be found in publication PMID: 35346344, PMCID: PMC8962531

NM_001035.3(RYR2):c.4360G>A (p.Asp1454Asn)

Gene: RYR2 (ryanodine receptor 2; plus strand). Cytogenetic location: 1q43.
Variant type: single nucleotide variant.
Coding change: c.4360G>A on transcript NM_001035.3 (MANE Select); coding-DNA position 4360, G replaced by A.
Protein change: p.Asp1454Asn; replaces aspartic acid 1454 with asparagine.
Molecular consequence: missense variant.
Genome position (GRCh38, 1-based): chr1:237,593,560, G>A. VCF-style: chr1-237593560-G-A. GRCh37 (hg19) VCF-style: chr1-237756860-G-A.
Other names: short protein forms D1454N.
Identifiers: ClinVar variation 3074895 (VCV003074895.1), dbSNP rs2546638655, ClinGen allele CA345399861.